The following is an entry in ClinVar:

ClinVar aggregate classification (germline): Uncertain significance (1 of 4 stars; one submission).

Conditions:
Cone-rod dystrophy 6 (CORD6). Also called: RETINAL CONE DYSTROPHY 2; Cone dystrophy progressive. Identifiers: Orphanet 1872, MedGen C1866293, MONDO:0011143, OMIM 601777.
Leber congenital amaurosis 1 (LCA1). Also called: RETINAL BLINDNESS, CONGENITAL; AMAUROSIS CONGENITA OF LEBER I; Congenital absence of the rods and cones; Leber's congenital tapetoretinal degeneration; Leber's congenital tapetoretinal dysplasia. Identifiers: Orphanet 65, MedGen C2931258, MONDO:0008764, OMIM 204000.

Submission:

Labcorp Genetics (formerly Invitae), Labcorp
Classification: Uncertain significance for Leber congenital amaurosis 1; Cone-rod dystrophy 6. Last evaluated: 2022-07-25. Review status: criteria provided, single submitter. Criteria: Invitae Variant Classification Sherloc (09022015). Collection method: clinical testing. Allele origin: germline.
Comment: This variant is not present in population databases (gnomAD no frequency). In summary, the available evidence is currently insufficient to determine the role of this variant in disease. Therefore, it has been classified as a Variant of Uncertain Significance. Algorithms developed to predict the effect of missense changes on protein structure and function are either unavailable or do not agree on the potential impact of this missense change (SIFT: "Tolerated"; PolyPhen-2: "Possibly Damaging"; Align-GVGD: "Class C0"). ClinVar contains an entry for this variant (Variation ID: 1347926). This variant has not been reported in the literature in individuals affected with GUCY2D-related conditions. This sequence change replaces arginine, which is basic and polar, with proline, which is neutral and non-polar, at codon 95 of the GUCY2D protein (p.Arg95Pro).

NM_000180.4(GUCY2D):c.284G>C (p.Arg95Pro)

Gene: GUCY2D (guanylate cyclase 2D, retinal; plus strand). Cytogenetic location: 17p13.1.
Variant type: single nucleotide variant.
Coding change: c.284G>C on transcript NM_000180.4 (MANE Select); coding-DNA position 284, G replaced by C.
Protein change: p.Arg95Pro; replaces arginine 95 with proline.
Molecular consequence: missense variant.
Genome position (GRCh38, 1-based): chr17:8,003,331, G>C. VCF-style: chr17-8003331-G-C. GRCh37 (hg19) VCF-style: chr17-7906649-G-C.
Other names: short protein forms R95P.
Identifiers: ClinVar variation 1347926 (VCV001347926.6), dbSNP rs1285198149, ClinGen allele CA397943113.
Genomic context (GRCh38, chr17:8,003,331, plus strand): 5'-TGGCCGCCCGCCTGGCCGCCGCCCGCCTGAACCGCGACCCCGGCCTGGCAGGCGGTCCCC[G>C]CTTCGAGGTAGCGCTGCTGCCCGAGCCTTGCCGGACGCCGGGCTCGCTGGGGGCCGTGTC-3'
Protein context (NP_000171.1, residues 85-105): NRDPGLAGGP[Arg95Pro]FEVALLPEPC